The following is an entry in ClinVar:

ClinVar aggregate classification (germline): Benign/Likely benign. Review status: criteria provided, multiple submitters, no conflicts (2 of 4 stars). 3 submissions from 3 submitters: Benign (1); Likely benign (2). Last evaluated 2026-06-25.

Conditions:
Retinoblastoma (RB1). Also called: RETINOBLASTOMA, SOMATIC. Identifiers: Orphanet 790, MedGen C0035335, MeSH D012175, MONDO:0008380, OMIM 180200, HP:0009919. Disease mechanism: loss of function. Inheritance: Both sporadic and heritable forms are tested..
Hereditary cancer-predisposing syndrome. Also called: Tumor predisposition; Hereditary Cancer Syndrome; Hereditary neoplastic syndrome; Neoplastic Syndromes, Hereditary. Identifiers: Orphanet 140162, MedGen C0027672, MeSH D009386, MONDO:0015356.

Submissions (3):

Myriad Genetics, Inc.
Classification: Benign for Retinoblastoma. Last evaluated: 2026-06-25. Review status: criteria provided, single submitter. Criteria: Myriad Autosomal Dominant, Autosomal Recessive and X-Linked Classification Criteria (2023). Collection method: clinical testing. Allele origin: unknown.
Comment: This variant is considered benign. This variant is a silent/synonymous amino acid change and it is not expected to impact splicing.

Labcorp Genetics (formerly Invitae), Labcorp
Classification: Likely benign for Retinoblastoma. Last evaluated: 2025-08-07. Review status: criteria provided, single submitter. Criteria: Invitae Variant Classification Sherloc (09022015). Collection method: clinical testing. Allele origin: germline.

Ambry Genetics
Classification: Likely benign for Hereditary cancer-predisposing syndrome. Last evaluated: 2019-10-30. Review status: criteria provided, single submitter. Criteria: Ambry Variant Classification Scheme 2023. Collection method: clinical testing. Allele origin: germline.

NM_000321.3(RB1):c.2334C>T (p.Thr778=)

Gene: RB1 (RB transcriptional corepressor 1; plus strand). Cytogenetic location: 13q14.2.
Variant type: single nucleotide variant.
Coding change: c.2334C>T on transcript NM_000321.3 (MANE Select); coding-DNA position 2334, C replaced by T.
Protein change: p.Thr778=; no amino-acid change (threonine 778 retained).
Molecular consequence: synonymous variant.
Genome position (GRCh38, 1-based): chr13:48,465,213, C>T. VCF-style: chr13-48465213-C-T. GRCh37 (hg19) VCF-style: chr13-49039349-C-T.
Identifiers: ClinVar variation 797313 (VCV000797313.13), dbSNP rs1593539365, ClinGen allele CA483740314.